The following is an entry in ClinVar:

NM_032119.4(ADGRV1):c.10619C>T (p.Ser3540Phe)

Gene: ADGRV1 (adhesion G protein-coupled receptor V1; plus strand). Cytogenetic location: 5q14.3.
Variant type: single nucleotide variant.
Coding change: c.10619C>T on transcript NM_032119.4 (MANE Select); coding-DNA position 10619, C replaced by T.
Protein change: p.Ser3540Phe; replaces serine 3540 with phenylalanine.
Molecular consequence: missense variant. On other transcripts: non-coding transcript variant (1).
Genome position (GRCh38, 1-based): chr5:90,745,115, C>T. VCF-style: chr5-90745115-C-T. GRCh37 (hg19) VCF-style: chr5-90040932-C-T.
Other names: c.10619C>T (NM_032119.3); short protein forms S3540F.
Identifiers: ClinVar variation 1460969 (VCV001460969.8), dbSNP rs1754463863, ClinGen allele CA360407863.

ClinVar aggregate classification (germline): Uncertain significance. Review status: criteria provided, multiple submitters, no conflicts (2 of 4 stars). 2 submissions from 2 submitters: Uncertain significance (2). Last evaluated 2023-09-27.

Allele frequency attached by ClinVar (database versions not stated): gnomAD exomes below 0.00001; TOPMed below 0.00001.
gnomAD v4.1: 1 of 1,613,768 alleles (0.000062%); highest among the groups gnomAD compares: Non-Finnish European, 0.000085%; no homozygotes.

Submissions (2):

GeneDx
Classification: Uncertain significance. Last evaluated: 2023-09-27. Review status: criteria provided, single submitter. Criteria: GeneDx Variant Classification Process June 2021. Collection method: clinical testing. Allele origin: germline. Affected: yes.
Comment: Not observed in large population cohorts (gnomAD); In silico analysis supports that this missense variant has a deleterious effect on protein structure/function; Has not been previously published as pathogenic or benign to our knowledge

Labcorp Genetics (formerly Invitae), Labcorp
Classification: Uncertain significance. Last evaluated: 2023-06-19. Review status: criteria provided, single submitter. Criteria: Invitae Variant Classification Sherloc (09022015). Collection method: clinical testing. Allele origin: germline.
Comment: This sequence change replaces serine, which is neutral and polar, with phenylalanine, which is neutral and non-polar, at codon 3540 of the ADGRV1 protein (p.Ser3540Phe). This variant is not present in population databases (gnomAD no frequency). In summary, the available evidence is currently insufficient to determine the role of this variant in disease. Therefore, it has been classified as a Variant of Uncertain Significance. Advanced modeling of protein sequence and biophysical properties (such as structural, functional, and spatial information, amino acid conservation, physicochemical variation, residue mobility, and thermodynamic stability) performed at Invitae indicates that this missense variant is not expected to disrupt ADGRV1 protein function. ClinVar contains an entry for this variant (Variation ID: 1460969). This variant has not been reported in the literature in individuals affected with ADGRV1-related conditions.